The following is an entry in ClinVar:

NM_001205293.3(CACNA1E):c.6920C>A (p.Thr2307Lys)

Gene: CACNA1E (calcium voltage-gated channel subunit alpha1 E; plus strand). Cytogenetic location: 1q25.3.
Variant type: single nucleotide variant.
Coding change: c.6920C>A on transcript NM_001205293.3 (MANE Select); coding-DNA position 6920, C replaced by A.
Protein change: p.Thr2307Lys; replaces threonine 2307 with lysine.
Molecular consequence: missense variant.
Genome position (GRCh38, 1-based): chr1:181,798,812, C>A. VCF-style: chr1-181798812-C-A. GRCh37 (hg19) VCF-style: chr1-181767948-C-A.
Other names: c.6791C>A, p.Thr2264Lys (NM_000721.4); c.6734C>A, p.Thr2245Lys (NM_001205294.2); short protein forms T2307K, T2264K, T2245K.
Identifiers: ClinVar variation 3633704 (VCV003633704.2).

ClinVar aggregate classification (germline): Uncertain significance (1 of 4 stars; one submission).

Submission:

Labcorp Genetics (formerly Invitae), Labcorp
Classification: Uncertain significance. Last evaluated: 2024-05-13. Review status: criteria provided, single submitter. Criteria: Invitae Variant Classification Sherloc (09022015). Collection method: clinical testing. Allele origin: germline.
Comment: This sequence change replaces threonine, which is neutral and polar, with lysine, which is basic and polar, at codon 2264 of the CACNA1E protein (p.Thr2264Lys). This variant is not present in population databases (gnomAD no frequency). This variant has not been reported in the literature in individuals affected with CACNA1E-related conditions. Advanced modeling of protein sequence and biophysical properties (such as structural, functional, and spatial information, amino acid conservation, physicochemical variation, residue mobility, and thermodynamic stability) performed at Invitae indicates that this missense variant is not expected to disrupt CACNA1E protein function with a negative predictive value of 95%. In summary, the available evidence is currently insufficient to determine the role of this variant in disease. Therefore, it has been classified as a Variant of Uncertain Significance.